The following is an entry in ClinVar:

NM_001003800.2(BICD2):c.1058T>C (p.Met353Thr)

Gene: BICD2 (BICD cargo adaptor 2; minus strand). Cytogenetic location: 9q22.31.
Variant type: single nucleotide variant.
Coding change: c.1058T>C on transcript NM_001003800.2 (MANE Select); coding-DNA position 1058, T replaced by C.
Protein change: p.Met353Thr; replaces methionine 353 with threonine.
Molecular consequence: missense variant.
Genome position (GRCh38, 1-based): chr9:92,720,304, A>G on the plus strand (T>C on the coding strand, the complement: BICD2 is on the minus strand). VCF-style: chr9-92720304-A-G. GRCh37 (hg19) VCF-style: chr9-95482586-A-G.
Other names: c.1058T>C, p.Met353Thr (NM_015250.4); short protein forms M353T.
Identifiers: ClinVar variation 2914529 (VCV002914529.3), dbSNP rs2490450767, ClinGen allele CA374042277.

ClinVar aggregate classification (germline): Uncertain significance (1 of 4 stars; one submission).

Conditions:
Autosomal dominant childhood-onset proximal spinal muscular atrophy with contractures (SMALED2A). Also called: SPINAL MUSCULAR ATROPHY, LOWER EXTREMITY-PREDOMINANT, 2A, CHILDHOOD ONSET, AUTOSOMAL DOMINANT; Spinal muscular atrophy, lower extremity-predominant, 2A, autosomal dominant. Identifiers: Orphanet 363447, Orphanet 363454, MedGen C4747715, MONDO:0014121, OMIM 615290.

Submission:

Labcorp Genetics (formerly Invitae), Labcorp
Classification: Uncertain significance for Autosomal dominant childhood-onset proximal spinal muscular atrophy with contractures. Last evaluated: 2023-04-04. Review status: criteria provided, single submitter. Criteria: Invitae Variant Classification Sherloc (09022015). Collection method: clinical testing. Allele origin: germline.
Comment: This sequence change replaces methionine, which is neutral and non-polar, with threonine, which is neutral and polar, at codon 353 of the BICD2 protein (p.Met353Thr). This variant is not present in population databases (gnomAD no frequency). This variant has not been reported in the literature in individuals affected with BICD2-related conditions. Advanced modeling of protein sequence and biophysical properties (such as structural, functional, and spatial information, amino acid conservation, physicochemical variation, residue mobility, and thermodynamic stability) performed at Invitae indicates that this missense variant is not expected to disrupt BICD2 protein function. In summary, the available evidence is currently insufficient to determine the role of this variant in disease. Therefore, it has been classified as a Variant of Uncertain Significance.